The following is an entry in ClinVar:

ClinVar aggregate classification (germline): Uncertain significance (1 of 4 stars; one submission).

Conditions:
Dilated cardiomyopathy 1JJ (CMD1JJ). Identifiers: Orphanet 154, MedGen C3808935, MONDO:0014095, OMIM 615235.

Submission:

Labcorp Genetics (formerly Invitae), Labcorp
Classification: Uncertain significance for Dilated cardiomyopathy 1JJ. Last evaluated: 2024-10-15. Review status: criteria provided, single submitter. Criteria: Invitae Variant Classification Sherloc (09022015). Collection method: clinical testing. Allele origin: germline.
Comment: This sequence change replaces aspartic acid, which is acidic and polar, with asparagine, which is neutral and polar, at codon 1007 of the LAMA4 protein (p.Asp1007Asn). This variant is not present in population databases (gnomAD no frequency). This variant has not been reported in the literature in individuals affected with LAMA4-related conditions. Invitae Evidence Modeling of protein sequence and biophysical properties (such as structural, functional, and spatial information, amino acid conservation, physicochemical variation, residue mobility, and thermodynamic stability) indicates that this missense variant is not expected to disrupt LAMA4 protein function with a negative predictive value of 80%. In summary, the available evidence is currently insufficient to determine the role of this variant in disease. Therefore, it has been classified as a Variant of Uncertain Significance.

NM_001105206.3(LAMA4):c.3040G>A (p.Asp1014Asn)

Gene: LAMA4 (laminin subunit alpha 4; minus strand). Cytogenetic location: 6q21.
Variant type: single nucleotide variant.
Coding change: c.3040G>A on transcript NM_001105206.3 (MANE Select); coding-DNA position 3040, G replaced by A.
Protein change: p.Asp1014Asn; replaces aspartic acid 1014 with asparagine.
Molecular consequence: missense variant.
Genome position (GRCh38, 1-based): chr6:112,139,822, C>T on the plus strand (G>A on the coding strand, the complement: LAMA4 is on the minus strand). VCF-style: chr6-112139822-C-T. GRCh37 (hg19) VCF-style: chr6-112461024-C-T.
Other names: c.3019G>A, p.Asp1007Asn (NM_001105207.3, NM_002290.5); short protein forms D1007N, D1014N.
Identifiers: ClinVar variation 2832875 (VCV002832875.3), dbSNP rs2547021304, ClinGen allele CA365379333.